The following is an entry in ClinVar:

ClinVar aggregate classification (germline): Likely pathogenic (1 of 4 stars; one submission).

Conditions:
Glycine encephalopathy. Also called: Non-ketotic hyperglycinemia; Nonketotic hyperglycinemia. Identifiers: Orphanet 407, MedGen C0751748, MONDO:0011612, HP:0008288.

Submission:

Myriad Genetics, Inc.
Classification: Likely pathogenic for Glycine encephalopathy 1. Last evaluated: 2022-03-15. Review status: criteria provided, single submitter. Criteria: Myriad Women's Health Autosomal Recessive and X-Linked Classification Criteria (2021). Collection method: clinical testing. Allele origin: unknown.
Comment: NM_000170.2(GLDC):c.2118_2119delTG(F706Lfs*6) is expected to be pathogenic in the context of glycine encephalopathy, GLDC-related. This variant is predicted to lead to an abnormal or absent protein product due to the creation of a premature termination codon in GLDC, a gene where loss-of-function variants are known to be pathogenic. Please note: this variant was assessed in the context of healthy population screening.

NM_000170.3(GLDC):c.2118_2119del (p.Phe706fs)

Gene: GLDC (glycine decarboxylase; minus strand). Cytogenetic location: 9p24.1.
Variant type: Deletion.
Coding change: c.2118_2119del on transcript NM_000170.3 (MANE Select); coding-DNA positions 2118 to 2119, 2 bases deleted (TG; older notation c.2118_2119delTG).
Protein change: p.Phe706fs; shifts the reading frame from phenylalanine 706.
Molecular consequence: frameshift variant.
Genome position (GRCh38, 1-based): chr9:6,556,236-6,556,237, CA deleted on the plus strand (TG on the coding strand, the reverse complement: GLDC is on the minus strand). VCF-style (leftmost placement, unchanged base first): chr9-6556235-TCA-T. GRCh37 (hg19) VCF-style: chr9-6556235-TCA-T.
Other names: short protein forms F706fs.
Identifiers: ClinVar variation 1725296 (VCV001725296.2), dbSNP rs2489036370, ClinGen allele CA2580080253.